The following is an entry in ClinVar:

ClinVar aggregate classification (germline): Likely benign. Review status: criteria provided, single submitter (1 of 4 stars). 2 submissions from 2 submitters: Likely benign (1). 1 of the submissions does not count toward it. Last evaluated 2025-08-29.

Conditions:
CSF1R-related disorder. Also called: CSF1R-related condition. Identifiers: MedGen CN379780, MONDO:0100632.

Allele frequency attached by ClinVar (database versions not stated): gnomAD 0.00003 and 0.00004; TOPMed 0.00006; ExAC 0.00007; gnomAD exomes 0.00007 and 0.00008.
gnomAD v4.1: 113 of 1,613,936 alleles (0.007%); highest among the groups gnomAD compares: Admixed American, 0.018%; no homozygotes.

Submissions (2):

Labcorp Genetics (formerly Invitae), Labcorp
Classification: Likely benign. Last evaluated: 2025-08-29. Review status: criteria provided, single submitter. Criteria: Invitae Variant Classification Sherloc (09022015). Collection method: clinical testing. Allele origin: germline.

PreventionGenetics, part of Exact Sciences
Classification: Uncertain significance for CSF1R-related condition. Last evaluated: 2024-03-04. Review status: no assertion criteria provided. Collection method: clinical testing. Allele origin: germline. Not counted in ClinVar's aggregate classification.
Comment: The CSF1R c.924C>G variant is predicted to result in the amino acid substitution p.Asn308Lys. To our knowledge, this variant has not been reported in the literature. This variant is reported in 0.014% of alleles in individuals of Latino descent in gnomAD. At this time, the clinical significance of this variant is uncertain due to the absence of conclusive functional and genetic evidence.

NM_001288705.3(CSF1R):c.924C>G (p.Asn308Lys)

Gene: CSF1R (colony stimulating factor 1 receptor; minus strand). Cytogenetic location: 5q32.
Variant type: single nucleotide variant.
Coding change: c.924C>G on transcript NM_001288705.3 (MANE Select); coding-DNA position 924, C replaced by G.
Protein change: p.Asn308Lys; replaces asparagine 308 with lysine.
Molecular consequence: missense variant. On other transcripts: non-coding transcript variant (2).
Genome position (GRCh38, 1-based): chr5:150,073,459, G>C on the plus strand (C>G on the coding strand, the complement: CSF1R is on the minus strand). VCF-style: chr5-150073459-G-C. GRCh37 (hg19) VCF-style: chr5-149453022-G-C.
Other names: c.924C>G, p.Asn308Lys (NM_001349736.2, NM_001375320.1, NM_005211.4); c.480C>G, p.Asn160Lys (NM_001375321.1); c.924C>G (NM_005211.3); short protein forms N160K, N308K.
Identifiers: ClinVar variation 1415854 (VCV001415854.9), dbSNP rs747597752, ClinGen allele CA3506989.
Genomic context (GRCh38, chr5:150,073,459, plus strand): 5'-GTAGGCCTCCACCATGACTTTGAGGTTGAGCCCCTCCCCCACGGTCACCTCCTGGATGAG[G>C]TTCTGCTCAGAGCTCAAGTTCAAGTAGGCACTCTCTGGAAAGCAGAACACACAAGCATCT-3'
Protein context (NP_001275634.1, residues 298-318): SAYLNLSSEQ[Asn308Lys]LIQEVTVGEG